The following is an entry in ClinVar:

NM_000256.3(MYBPC3):c.1422G>A (p.Glu474=)

Gene: MYBPC3 (myosin binding protein C3; minus strand). Cytogenetic location: 11p11.2.
Variant type: single nucleotide variant.
Coding change: c.1422G>A on transcript NM_000256.3 (MANE Select); coding-DNA position 1422, G replaced by A.
Protein change: p.Glu474=; no amino-acid change (glutamic acid 474 retained).
Molecular consequence: synonymous variant.
Genome position (GRCh38, 1-based): chr11:47,342,865, C>T on the plus strand (G>A on the coding strand, the complement: MYBPC3 is on the minus strand). VCF-style: chr11-47342865-C-T. GRCh37 (hg19) VCF-style: chr11-47364416-C-T.
Other names: c.1422G>A, p.Glu474= (LRG_386t1).
Identifiers: ClinVar variation 380998 (VCV000380998.12), dbSNP rs397515901, ClinGen allele CA078073.

ClinVar aggregate classification (germline): Likely benign. Review status: criteria provided, multiple submitters, no conflicts (2 of 4 stars). 4 submissions from 4 submitters: Likely benign (4). Last evaluated 2025-10-17.

Conditions:
Cardiovascular phenotype. Identifiers: MedGen CN230736.
Hypertrophic cardiomyopathy. Also called: HYPERTROPHIC MYOCARDIOPATHY. Identifiers: Orphanet 217569, MedGen C0007194, MeSH D002312, MONDO:0005045, HP:0001639.

Allele frequency attached by ClinVar (database versions not stated): gnomAD exomes 0.00001; TOPMed 0.00001; ExAC 0.00002; gnomAD 0.00003.
gnomAD v4.1: 9 of 1,613,244 alleles (0.00056%); highest among the groups gnomAD compares: African/African-American, 0.0093%; no homozygotes.

Submissions (4):

Labcorp Genetics (formerly Invitae), Labcorp
Classification: Likely benign for Hypertrophic cardiomyopathy. Last evaluated: 2025-10-17. Review status: criteria provided, single submitter. Criteria: Invitae Variant Classification Sherloc (09022015). Collection method: clinical testing. Allele origin: germline.

Women's Health and Genetics/Laboratory Corporation of America, LabCorp
Classification: Likely benign. Last evaluated: 2024-12-06. Review status: criteria provided, single submitter. Criteria: LabCorp Variant Classification Summary - May 2015. Collection method: clinical testing. Allele origin: germline.

Ambry Genetics
Classification: Likely benign for Cardiovascular phenotype. Last evaluated: 2023-04-14. Review status: criteria provided, single submitter. Criteria: Ambry Variant Classification Scheme 2023. Collection method: clinical testing. Allele origin: germline.

GeneDx
Classification: Likely benign. Last evaluated: 2015-10-29. Review status: criteria provided, single submitter. Criteria: GeneDx Variant Classification (06012015). Collection method: clinical testing. Allele origin: germline. Affected: yes.
Comment: This variant is considered likely benign or benign based on one or more of the following criteria: it is a conservative change, it occurs at a poorly conserved position in the protein, it is predicted to be benign by multiple in silico algorithms, and/or has population frequency not consistent with disease.